The following is an entry in ClinVar:

ClinVar aggregate classification (germline): Uncertain significance (1 of 4 stars; one submission).

Allele frequency attached by ClinVar (database versions not stated): ExAC 0.00001; gnomAD exomes 0.00002 and 0.00003; gnomAD 0.00003; TOPMed 0.00003; 1000 Genomes Project 30x 0.00016.

Submission:

Labcorp Genetics (formerly Invitae), Labcorp
Classification: Uncertain significance. Last evaluated: 2026-01-25. Review status: criteria provided, single submitter. Criteria: Invitae Variant Classification Sherloc (09022015). Collection method: clinical testing. Allele origin: germline.
Comment: This sequence change replaces threonine, which is neutral and polar, with methionine, which is neutral and non-polar, at codon 141 of the BMP2 protein (p.Thr141Met). This variant is present in population databases (rs763882274, gnomAD 0.008%). This variant has not been reported in the literature in individuals affected with BMP2-related conditions. ClinVar contains an entry for this variant (Variation ID: 1365952). An algorithm developed to predict the effect of missense changes on protein structure and function (PolyPhen-2) suggests that this variant is likely to be disruptive. In summary, the available evidence is currently insufficient to determine the role of this variant in disease. Therefore, it has been classified as a Variant of Uncertain Significance.

NM_001200.4(BMP2):c.422C>T (p.Thr141Met)

Gene: BMP2 (bone morphogenetic protein 2; plus strand). Cytogenetic location: 20p12.3.
Variant type: single nucleotide variant.
Coding change: c.422C>T on transcript NM_001200.4 (MANE Select); coding-DNA position 422, C replaced by T.
Protein change: p.Thr141Met; replaces threonine 141 with methionine.
Molecular consequence: missense variant.
Genome position (GRCh38, 1-based): chr20:6,778,320, C>T. VCF-style: chr20-6778320-C-T. GRCh37 (hg19) VCF-style: chr20-6758967-C-T.
Other names: short protein forms T141M.
Identifiers: ClinVar variation 1365952 (VCV001365952.8), dbSNP rs763882274, ClinGen allele CA9758682.
Genomic context (GRCh38, chr20:6,778,320, plus strand): 5'-TACCAGAAACGAGTGGGAAAACAACCCGGAGATTCTTCTTTAATTTAAGTTCTATCCCCA[C>T]GGAGGAGTTTATCACCTCAGCAGAGCTTCAGGTTTTCCGAGAACAGATGCAAGATGCTTT-3'
Protein context (NP_001191.1, residues 131-151): RFFFNLSSIP[Thr141Met]EEFITSAELQ